The following is an entry in ClinVar:

ClinVar aggregate classification (germline): Uncertain significance. Review status: criteria provided, multiple submitters, no conflicts (2 of 4 stars). 2 submissions from 2 submitters: Uncertain significance (2). Last evaluated 2025-01-29.

Conditions:
Microcephalic primordial dwarfism due to RTTN deficiency (MSSP). Also called: MICROCEPHALY, SHORT STATURE, AND POLYMICROGYRIA; Microcephaly, short stature, and polymicrogyria with or without seizures. Identifiers: Orphanet 468631, MedGen C3553831, MONDO:0018764, OMIM 614833.

Allele frequency attached by ClinVar (database versions not stated): gnomAD 0.00001; TOPMed 0.00002.
gnomAD v4.1: 65 of 1,614,010 alleles (0.004%); highest among the groups gnomAD compares: Non-Finnish European, 0.0053%; no homozygotes.

Submissions (2):

Labcorp Genetics (formerly Invitae), Labcorp
Classification: Uncertain significance. Last evaluated: 2025-01-29. Review status: criteria provided, single submitter. Criteria: Invitae Variant Classification Sherloc (09022015). Collection method: clinical testing. Allele origin: germline.
Comment: This sequence change replaces leucine, which is neutral and non-polar, with valine, which is neutral and non-polar, at codon 1263 of the RTTN protein (p.Leu1263Val). This variant is present in population databases (rs769785834, gnomAD 0.003%). This variant has not been reported in the literature in individuals affected with RTTN-related conditions. ClinVar contains an entry for this variant (Variation ID: 1699485). Invitae Evidence Modeling of protein sequence and biophysical properties (such as structural, functional, and spatial information, amino acid conservation, physicochemical variation, residue mobility, and thermodynamic stability) indicates that this missense variant is expected to disrupt RTTN protein function with a positive predictive value of 80%. In summary, the available evidence is currently insufficient to determine the role of this variant in disease. Therefore, it has been classified as a Variant of Uncertain Significance.

Victorian Clinical Genetics Services, Murdoch Childrens Research Institute
Classification: Uncertain significance for Microcephalic primordial dwarfism due to RTTN deficiency. Last evaluated: 2022-02-02. Review status: criteria provided, single submitter. Criteria: ACMG Guidelines, 2015. Collection method: clinical testing. Allele origin: germline. Inheritance: Autosomal recessive inheritance. Affected: yes.
Comment: Based on the classification scheme VCGS_Germline_v1.3.4, this variant is classified as VUS-3B. Following criteria are met: 0102 - Loss of function is a known mechanism of disease in this gene and is associated with microcephaly, short stature, and polymicrogyria with seizures (MIM#614833). (I) 0106 - This gene is associated with autosomal recessive disease. (I) 0200 - Variant is predicted to result in a missense amino acid change from leucine to valine. (I) 0251 - This variant is heterozygous. (I) 0304 - Variant is present in gnomAD (v2) <0.01 for a recessive condition (4 heterozygotes, 0 homozygotes). (SP) 0309 - An alternative amino acid change at the same position has been observed in gnomAD (v2) (2 heterozygotes, 0 homozygotes). (I) 0502 - Missense variant with conflicting in silico predictions and uninformative conservation. (I) 0604 - Variant is not located in an established domain, motif, hotspot or informative constraint region. (I) 0705 - No comparable missense variants have previous evidence for pathogenicity. (I) 0807 - This variant has no previous evidence of pathogenicity. (I) 0905 - No published segregation evidence has been identified for this variant. (I) 1007 - No published functional evidence has been identified for this variant. (I) 1208 - Inheritance information for this variant is not currently available in this individual. (I) Legend: (SP) - Supporting pathogenic, (I) - Information, (SB) - Supporting benign

NM_173630.4(RTTN):c.3787C>G (p.Leu1263Val)

Gene: RTTN (rotatin; minus strand). Cytogenetic location: 18q22.2.
Variant type: single nucleotide variant.
Coding change: c.3787C>G on transcript NM_173630.4 (MANE Select); coding-DNA position 3787, C replaced by G.
Protein change: p.Leu1263Val; replaces leucine 1263 with valine.
Molecular consequence: missense variant.
Genome position (GRCh38, 1-based): chr18:70,109,614, G>C on the plus strand (C>G on the coding strand, the complement: RTTN is on the minus strand). VCF-style: chr18-70109614-G-C. GRCh37 (hg19) VCF-style: chr18-67776850-G-C.
Other names: c.1051C>G, p.Leu351Val (NM_001318520.2); short protein forms L1263V, L351V.
Identifiers: ClinVar variation 1699485 (VCV001699485.5), dbSNP rs769785834, ClinGen allele CA8995493.
Genomic context (GRCh38, chr18:70,109,614, plus strand): 5'-AGTGTGAGCTCCATCCCGGAAACGCAGTGAGGTTAGCCATCCCTCGTAAGGTCCGCTCAA[G>C]GGACGGCAGGCCATAGAAATGAGGCGCATCCGTCACTTTCAGACACTGGAGCAGTTTCAG-3'
Protein context (NP_775901.3, residues 1253-1273): DAPHFYGLPS[Leu1263Val]ERTLRGMANL